The following is an entry in ClinVar:

ClinVar aggregate classification (germline): Uncertain significance (1 of 4 stars; one submission).

Conditions:
Polyglandular autoimmune syndrome, type 1 (APS1). Also called: AUTOIMMUNE POLYENDOCRINE SYNDROME, TYPE I, WITH OR WITHOUT REVERSIBLE METAPHYSEAL DYSPLASIA; APS I; Autoimmune polyendocrinopathy syndrome, type I; Autoimmune polyendocrinopathy syndrome , type I, with or without reversible metaphyseal dysplasia; PGA I; HYPOADRENOCORTICISM WITH HYPOPARATHYROIDISM AND SUPERFICIAL MONILIASIS. Identifiers: Orphanet 3453, MedGen C0085859, MONDO:0009411, OMIM 240300.

gnomAD v4.1: 1 of 1,580,848 alleles (0.000063%); no homozygotes.

Submission:

Labcorp Genetics (formerly Invitae), Labcorp
Classification: Uncertain significance for Polyglandular autoimmune syndrome, type 1. Last evaluated: 2022-08-23. Review status: criteria provided, single submitter. Criteria: Invitae Variant Classification Sherloc (09022015). Collection method: clinical testing. Allele origin: germline.
Comment: This sequence change replaces leucine, which is neutral and non-polar, with isoleucine, which is neutral and non-polar, at codon 417 of the AIRE protein (p.Leu417Ile). This variant is not present in population databases (gnomAD no frequency). This variant has not been reported in the literature in individuals affected with AIRE-related conditions. ClinVar contains an entry for this variant (Variation ID: 1428026). Algorithms developed to predict the effect of missense changes on protein structure and function are either unavailable or do not agree on the potential impact of this missense change (SIFT: "Tolerated"; PolyPhen-2: "Probably Damaging"; Align-GVGD: "Class C0"). In summary, the available evidence is currently insufficient to determine the role of this variant in disease. Therefore, it has been classified as a Variant of Uncertain Significance.

NM_000383.4(AIRE):c.1249C>A (p.Leu417Ile)

Gene: AIRE (autoimmune regulator; plus strand). Cytogenetic location: 21q22.3.
Variant type: single nucleotide variant.
Coding change: c.1249C>A on transcript NM_000383.4 (MANE Select); coding-DNA position 1249, C replaced by A.
Protein change: p.Leu417Ile; replaces leucine 417 with isoleucine.
Molecular consequence: missense variant.
Genome position (GRCh38, 1-based): chr21:44,293,146, C>A. VCF-style: chr21-44293146-C-A. GRCh37 (hg19) VCF-style: chr21-45713029-C-A.
Other names: short protein forms L417I.
Identifiers: ClinVar variation 1428026 (VCV001428026.3), dbSNP rs1248107084, ClinGen allele CA410425532.